The following is an entry in ClinVar:

ClinVar aggregate classification (germline): Benign (1 of 4 stars; one submission).

Conditions:
Fibrous dysplasia of jaw (CRBM). Also called: Cherubism. Identifiers: Orphanet 184, MedGen C0008029, MONDO:0007315, OMIM 118400.

Allele frequency attached by ClinVar (database versions not stated): gnomAD 0.03049 and 0.03268; 1000 Genomes Project 0.03395; TOPMed 0.03467; 1000 Genomes Project 30x 0.03623.

Submission:

Illumina Laboratory Services, Illumina
Classification: Benign for Fibrous dysplasia of jaw. Last evaluated: 2018-01-13. Review status: criteria provided, single submitter. Criteria: ICSL Variant Classification Criteria 13 December 2019. Collection method: clinical testing. Allele origin: germline.
Comment: This variant was observed in the ICSL laboratory as part of a predisposition screen in an ostensibly healthy population. It had not been previously curated by ICSL or reported in the Human Gene Mutation Database (HGMD: prior to June 1st, 2018), and was therefore a candidate for classification through an automated scoring system. Utilizing variant allele frequency, disease prevalence and penetrance estimates, and inheritance mode, an automated score was calculated to assess if this variant is too frequent to cause the disease. Based on the score and internal cut-off values, a variant classified as benign is not then subjected to further curation. The score for this variant resulted in a classification of benign for this disease.

NM_001122681.2(SH3BP2):c.*1860C>T

Gene: SH3BP2 (SH3 domain binding protein 2; plus strand). Cytogenetic location: 4p16.3.
Variant type: single nucleotide variant.
Coding change: c.*1860C>T on transcript NM_001122681.2 (MANE Select); 1860 bases downstream of the stop codon, C replaced by T.
Molecular consequence: 3 prime UTR variant.
Genome position (GRCh38, 1-based): chr4:2,835,694, C>T. VCF-style: chr4-2835694-C-T. GRCh37 (hg19) VCF-style: chr4-2837421-C-T.
Other names: c.*1860C>T (LRG_1334t1, LRG_1334t2, NM_001145855.2 and 2 more transcripts).
Identifiers: ClinVar variation 348623 (VCV000348623.5), dbSNP rs149002598, ClinGen allele CA10617686.